The following is an entry in ClinVar:

NM_022124.6(CDH23):c.9319+3A>G

Gene: CDH23 (cadherin related 23; plus strand). Cytogenetic location: 10q22.1.
Variant type: single nucleotide variant.
Coding change: c.9319+3A>G on transcript NM_022124.6 (MANE Select); 3 bases into the intron after coding-DNA position 9319, A replaced by G.
Molecular consequence: intron variant.
Genome position (GRCh38, 1-based): chr10:71,811,756, A>G. VCF-style: chr10-71811756-A-G. GRCh37 (hg19) VCF-style: chr10-73571513-A-G.
Other names: c.2599+3A>G (NM_001171933.1, NM_001171934.1).
Identifiers: ClinVar variation 4527115 (VCV004527115.1).

ClinVar aggregate classification (germline): Uncertain significance (1 of 4 stars; one submission).

gnomAD v4.1: 3 of 1,571,834 alleles (0.00019%); highest among the groups gnomAD compares: South Asian, 0.0035%; no homozygotes.

Submission:

GeneDx
Classification: Uncertain significance. Last evaluated: 2025-05-01. Review status: criteria provided, single submitter. Criteria: GeneDx Variant Classification Process June 2021. Collection method: clinical testing. Allele origin: germline. Affected: yes.
Comment: Not observed at significant frequency in large population cohorts (gnomAD); Has not been previously published as pathogenic or benign to our knowledge; In silico analysis suggests this variant may impact gene splicing. In the absence of RNA/functional studies, the actual effect of this sequence change is unknown.